The following is an entry in ClinVar:

ClinVar aggregate classification (germline): Uncertain significance (1 of 4 stars; one submission).

Conditions:
POMC-related disorder. Also called: POMC-related condition; POMC-related disorders.

gnomAD v4.1: 4 of 1,613,606 alleles (0.00025%); highest among the groups gnomAD compares: Admixed American, 0.0017%; no homozygotes.

Submission:

PreventionGenetics, part of Exact Sciences
Classification: Uncertain significance for POMC-related condition. Last evaluated: 2026-02-16. Review status: criteria provided, single submitter. Criteria: ACMG Guidelines, 2015. Collection method: clinical testing. Allele origin: germline.
Comment: The POMC c.742A>G variant is predicted to result in the amino acid substitution p.Thr248Ala. This variant was observed in a cohort of individuals with obesity, and in vitro functional studies showed this variant's activity was similar to wild type (Supplemental Data Set 3, Shah et al. 2023. PubMed ID: 36864747). This variant is reported in 0.0062% of alleles in individuals of African descent in gnomAD. At this time, the clinical significance of this variant is uncertain due to the absence of conclusive functional and genetic evidence.

NM_000939.4(POMC):c.742A>G (p.Thr248Ala)

Gene: POMC (proopiomelanocortin; minus strand). Cytogenetic location: 2p23.3.
Variant type: single nucleotide variant.
Coding change: c.742A>G on transcript NM_000939.4 (MANE Select); coding-DNA position 742, A replaced by G.
Protein change: p.Thr248Ala; replaces threonine 248 with alanine.
Molecular consequence: missense variant.
Genome position (GRCh38, 1-based): chr2:25,161,143, T>C on the plus strand (A>G on the coding strand, the complement: POMC is on the minus strand). VCF-style: chr2-25161143-T-C. GRCh37 (hg19) VCF-style: chr2-25384012-T-C.
Other names: c.742A>G, p.Thr248Ala (NM_001035256.3, NM_001319204.2, NM_001319205.2); short protein forms T248A.
Identifiers: ClinVar variation 4987568 (VCV004987568.1).